The following is an entry in ClinVar:

ClinVar aggregate classification (germline): Uncertain significance (1 of 4 stars; one submission).

gnomAD v4.1: 23 of 1,614,090 alleles (0.0014%); highest among the groups gnomAD compares: Middle Eastern, 0.016%; no homozygotes.

Submission:

GeneDx
Classification: Uncertain significance. Last evaluated: 2024-02-22. Review status: criteria provided, single submitter. Criteria: GeneDx Variant Classification Process June 2021. Collection method: clinical testing. Allele origin: germline. Affected: yes.
Comment: Not observed at significant frequency in large population cohorts (gnomAD); In silico analysis supports that this missense variant does not alter protein structure/function; Has not been previously published as pathogenic or benign to our knowledge

NM_207361.6(FREM2):c.1439G>A (p.Arg480Gln)

Gene: FREM2 (FRAS1 related extracellular matrix 2; plus strand). Cytogenetic location: 13q13.3.
Variant type: single nucleotide variant.
Coding change: c.1439G>A on transcript NM_207361.6 (MANE Select); coding-DNA position 1439, G replaced by A.
Protein change: p.Arg480Gln; replaces arginine 480 with glutamine.
Molecular consequence: missense variant.
Genome position (GRCh38, 1-based): chr13:38,688,783, G>A. VCF-style: chr13-38688783-G-A. GRCh37 (hg19) VCF-style: chr13-39262920-G-A.
Other names: short protein forms R480Q.
Identifiers: ClinVar variation 3369408 (VCV003369408.1).